The following is an entry in ClinVar:

NM_006269.2(RP1):c.5900dup (p.Arg1968fs)

Genes: RP1 (RP1 axonemal microtubule associated; plus strand), LOC126860392 (CDK7 strongly-dependent group 2 enhancer GRCh37_chr8:55541319-55542518; plus strand). Cytogenetic location: 8q12.1.
Variant type: Duplication.
Coding change: c.5900dup on transcript NM_006269.2 (MANE Select); coding-DNA position 5900, one base duplicated (T; older notation c.5900dupT).
Protein change: p.Arg1968fs; shifts the reading frame from arginine 1968.
Molecular consequence: frameshift variant. On other transcripts: intron variant (1).
Genome position (GRCh38, 1-based): chr8:54,629,782, T duplicated; the last of 2 consecutive T bases (chr8:54,629,781-54,629,782); duplicating either gives the same sequence. VCF-style (leftmost placement, unchanged base first): chr8-54629780-G-GT. GRCh37 (hg19) VCF-style: chr8-55542340-G-GT.
Other names: c.787+7494dup (NM_001375654.1); short protein forms R1968fs.
Identifiers: ClinVar variation 4886901 (VCV004886901.1).
Genomic context (GRCh38, chr8:54,629,780, plus strand): 5'-CTTGGGTTTTTATTTATGGATGAAAATACACCCATATTTACTTCAGACAGACAAAAATGT[G>GT]TTCAGGGAAGAGAACAATAAAGCAAGTATGAGACAAAATCTTATTGATAATGCCATTGGT-3'

ClinVar aggregate classification (germline): Likely pathogenic (1 of 4 stars; one submission).

Conditions:
Retinitis pigmentosa 1 (RP1). Identifiers: Orphanet 791, MedGen C0220701, MONDO:0008377, OMIM 180100.

Submission:

Kasturba Medical College, Manipal, Kasturba Medical College, Manipal, Manipal Academy of Higher Education, Manipal, India
Classification: Likely pathogenic for Retinitis pigmentosa 1. Last evaluated: 2026-08-07. Review status: criteria provided, single submitter. Criteria: ACMG Guidelines, 2015. Collection method: research. Allele origin: unknown. Inheritance: Autosomal recessive inheritance. Affected: yes. Observed: 1 variant allele, 1 homozygote.
Comment: Mother sample is not available for testing. This variant is present in one individual (allele frequency: 6.210e-7) in heterozygous state in gnomAD population database and also in an individual in heterozygous state in our in-house data of 4376 exomes.